The following is an entry in ClinVar:

NM_002582.4(PARN):c.703-1G>A

Gene: PARN (poly(A)-specific ribonuclease; minus strand). Cytogenetic location: 16p13.12.
Variant type: single nucleotide variant.
Coding change: c.703-1G>A on transcript NM_002582.4 (MANE Select); the canonical splice acceptor site of the intron before coding-DNA position 703, G replaced by A.
Molecular consequence: splice acceptor variant.
Genome position (GRCh38, 1-based): chr16:14,604,227, C>T on the plus strand (G>A on the coding strand, the complement: PARN is on the minus strand). VCF-style: chr16-14604227-C-T. GRCh37 (hg19) VCF-style: chr16-14698084-C-T.
Other names: c.520-1G>A (NM_001134477.3); c.565-1G>A (NM_001242992.2).
Identifiers: ClinVar variation 4787755 (VCV004787755.1).

ClinVar aggregate classification (germline): Likely pathogenic (1 of 4 stars; one submission).

Conditions:
Dyskeratosis congenita, autosomal recessive 6 (DKCB6). Identifiers: MedGen C4225356, MONDO:0014600, OMIM 616353.
Pulmonary fibrosis and/or bone marrow failure, Telomere-related, 4. Also called: PULMONARY FIBROSIS AND/OR BONE MARROW FAILURE SYNDROME, TELOMERE-RELATED, 4. Identifiers: Orphanet 2032, MedGen C4225347, MONDO:0014612, OMIM 616371.

Submission:

Labcorp Genetics (formerly Invitae), Labcorp
Classification: Likely pathogenic for Dyskeratosis congenita, autosomal recessive 6; Pulmonary fibrosis and/or bone marrow failure, Telomere-related, 4. Last evaluated: 2025-10-08. Review status: criteria provided, single submitter. Criteria: Invitae Variant Classification Sherloc (09022015). Collection method: clinical testing. Allele origin: germline.
Comment: This sequence change affects an acceptor splice site in intron 10 of the PARN gene. It is expected to disrupt RNA splicing. Variants that disrupt the donor or acceptor splice site typically lead to a loss of protein function (PMID: 16199547), and loss-of-function variants in PARN are known to be pathogenic (PMID: 9736620, 25848748, 26810774). This variant is not present in population databases (gnomAD no frequency). This variant has not been reported in the literature in individuals affected with PARN-related conditions. Algorithms developed to predict the effect of sequence changes on RNA splicing suggest that this variant may disrupt the consensus splice site. In summary, the currently available evidence indicates that the variant is pathogenic, but additional data are needed to prove that conclusively. Therefore, this variant has been classified as Likely Pathogenic.

Literature cited by the submitters: PubMed 16199547; PubMed 9736620; PubMed 25848748; PubMed 26810774.